The following is an entry in ClinVar:

NM_014915.3(ANKRD26):c.3572A>G (p.Glu1191Gly)

Gene: ANKRD26 (ankyrin repeat domain 26; minus strand). Cytogenetic location: 10p12.1.
Variant type: single nucleotide variant.
Coding change: c.3572A>G on transcript NM_014915.3 (MANE Select); coding-DNA position 3572, A replaced by G.
Protein change: p.Glu1191Gly; replaces glutamic acid 1191 with glycine.
Molecular consequence: missense variant.
Genome position (GRCh38, 1-based): chr10:27,034,878, T>C on the plus strand (A>G on the coding strand, the complement: ANKRD26 is on the minus strand). VCF-style: chr10-27034878-T-C. GRCh37 (hg19) VCF-style: chr10-27323807-T-C.
Other names: c.3569A>G, p.Glu1190Gly (NM_001256053.2); short protein forms E1190G, E1191G.
Identifiers: ClinVar variation 3870412 (VCV003870412.2).

ClinVar aggregate classification (germline): Uncertain significance. Review status: criteria provided, multiple submitters, no conflicts (2 of 4 stars). 2 submissions from 2 submitters: Uncertain significance (2). Last evaluated 2025-07-15.

Conditions:
Inborn genetic diseases. Identifiers: MedGen C0950123, MeSH D030342.

Submissions (2):

Labcorp Genetics (formerly Invitae), Labcorp
Classification: Uncertain significance. Last evaluated: 2025-07-15. Review status: criteria provided, single submitter. Criteria: Invitae Variant Classification Sherloc (09022015). Collection method: clinical testing. Allele origin: germline.
Comment: This sequence change replaces glutamic acid, which is acidic and polar, with glycine, which is neutral and non-polar, at codon 1191 of the ANKRD26 protein (p.Glu1191Gly). This variant is present in population databases (rs758119088, gnomAD 0.007%). This variant has not been reported in the literature in individuals affected with ANKRD26-related conditions. ClinVar contains an entry for this variant (Variation ID: 3870412). An algorithm developed to predict the effect of missense changes on protein structure and function (PolyPhen-2) suggests that this variant is likely to be tolerated. In summary, the available evidence is currently insufficient to determine the role of this variant in disease. Therefore, it has been classified as a Variant of Uncertain Significance.

Ambry Genetics
Classification: Uncertain significance for Inborn genetic diseases. Last evaluated: 2025-01-13. Review status: criteria provided, single submitter. Criteria: Ambry Variant Classification Scheme 2023. Collection method: clinical testing. Allele origin: germline.
Comment: The p.E1191G variant (also known as c.3572A>G), located in coding exon 24 of the ANKRD26 gene, results from an A to G substitution at nucleotide position 3572. The glutamic acid at codon 1191 is replaced by glycine, an amino acid with similar properties. This amino acid position is conserved. In addition, this alteration is predicted to be tolerated by in silico analysis. Based on the available evidence, the clinical significance of this variant remains unclear.